The following is an entry in ClinVar:

ClinVar aggregate classification (germline): Uncertain significance (0 of 4 stars; one submission).

Conditions:
ARFGEF1-related disorder. Also called: ARFGEF1-related condition.

Submission:

PreventionGenetics, part of Exact Sciences
Classification: Uncertain significance for ARFGEF1-related condition. Last evaluated: 2024-06-15. Review status: no assertion criteria provided. Collection method: clinical testing. Allele origin: germline.
Comment: The ARFGEF1 c.2516A>G variant is predicted to result in the amino acid substitution p.His839Arg. To our knowledge, this variant has not been reported in the literature or in a large population database, indicating this variant is rare. At this time, the clinical significance of this variant is uncertain due to the absence of conclusive functional and genetic evidence.

NM_006421.5(ARFGEF1):c.2516A>G (p.His839Arg)

Gene: ARFGEF1 (ARF guanine nucleotide exchange factor 1; minus strand). Cytogenetic location: 8q13.2.
Variant type: single nucleotide variant.
Coding change: c.2516A>G on transcript NM_006421.5 (MANE Select); coding-DNA position 2516, A replaced by G.
Protein change: p.His839Arg; replaces histidine 839 with arginine.
Molecular consequence: missense variant. On other transcripts: non-coding transcript variant (1).
Genome position (GRCh38, 1-based): chr8:67,257,742, T>C on the plus strand (A>G on the coding strand, the complement: ARFGEF1 is on the minus strand). VCF-style: chr8-67257742-T-C. GRCh37 (hg19) VCF-style: chr8-68169977-T-C.
Other names: c.2516A>G, p.His839Arg (NM_001413184.1, NM_001413185.1, NM_001413186.1 and 7 more transcripts); c.1916A>G, p.His639Arg (NM_001413188.1, NM_001413193.1, NM_001413197.1); c.1091A>G, p.His364Arg (NM_001413196.1); short protein forms H364R, H639R, H839R.
Identifiers: ClinVar variation 3347285 (VCV003347285.1).